The following is an entry in ClinVar:

ClinVar aggregate classification (germline): Uncertain significance (1 of 4 stars; one submission).

Conditions:
Hereditary cancer-predisposing syndrome. Also called: Hereditary Cancer Syndrome; Hereditary neoplastic syndrome; Neoplastic Syndromes, Hereditary; Tumor predisposition. Identifiers: Orphanet 140162, MedGen C0027672, MeSH D009386, MONDO:0015356.

Submission:

Ambry Genetics
Classification: Uncertain significance for Hereditary cancer-predisposing syndrome. Last evaluated: 2020-06-29. Review status: criteria provided, single submitter. Criteria: Ambry Variant Classification Scheme 2023. Collection method: clinical testing. Allele origin: germline.
Comment: The p.C323W variant (also known as c.969T>G), located in coding exon 8 of the NBN gene, results from a T to G substitution at nucleotide position 969. The cysteine at codon 323 is replaced by tryptophan, an amino acid with highly dissimilar properties. This amino acid position is highly conserved in available vertebrate species. In addition, this alteration is predicted to be deleterious by in silico analysis. Since supporting evidence is limited at this time, the clinical significance of this alteration remains unclear.

NM_002485.5(NBN):c.969T>G (p.Cys323Trp)

Gene: NBN (nibrin; minus strand). Cytogenetic location: 8q21.3.
Variant type: single nucleotide variant.
Coding change: c.969T>G on transcript NM_002485.5 (MANE Select); coding-DNA position 969, T replaced by G.
Protein change: p.Cys323Trp; replaces cysteine 323 with tryptophan.
Molecular consequence: missense variant.
Genome position (GRCh38, 1-based): chr8:89,964,435, A>C on the plus strand (T>G on the coding strand, the complement: NBN is on the minus strand). VCF-style: chr8-89964435-A-C. GRCh37 (hg19) VCF-style: chr8-90976663-A-C.
Other names: c.723T>G, p.Cys241Trp (NM_001024688.3); short protein forms C241W, C323W.
Identifiers: ClinVar variation 1767861 (VCV001767861.2), dbSNP rs773860553, ClinGen allele CA371656911.
Genomic context (GRCh38, chr8:89,964,435, plus strand): 5'-TTGCTAACGAATCAATAAAATAATGCTTCAATTACCTGTACTGGGATGGCCCTGAGGATC[A>C]CAGTAATTCTTTGTAGTCATGAAAATCACCGCCAATCCAATTTCTGCTTCAGGAATAGGT-3'
Protein context (NP_002476.2, residues 313-333): AVIFMTTKNY[Cys323Trp]DPQGHPSTGL